The following is an entry in ClinVar:

ClinVar aggregate classification (germline): Likely pathogenic (1 of 4 stars; one submission).

Conditions:
Wilms tumor 1 (WT1). Also called: Wilms tumor, somatic. Identifiers: Orphanet 654, MedGen CN033288, MONDO:0008679, OMIM 194070.

Submission:

Labcorp Genetics (formerly Invitae), Labcorp
Classification: Likely pathogenic for Wilms tumor 1. Last evaluated: 2018-11-26. Review status: criteria provided, single submitter. Criteria: Invitae Variant Classification Sherloc (09022015). Collection method: clinical testing. Allele origin: germline.
Comment: This variant is a gross duplication of the genomic region encompassing exon 3 of the GPC3 gene. While the exact position of the duplicated exons cannot be determined from this data, the duplicated copy of this region is likely in tandem and may result in an absent or disrupted protein product. This variant has not been reported in the literature in individuals with GPC3-related disease. Sub-genic duplications are generally in tandem (PMID: 25640679), and result in an absent or disrupted protein. Loss-of-function variants in GPC3 are known to be pathogenic (PMID: 12713262, 17603795). In summary, the currently available evidence indicates that the variant is pathogenic, but additional data are needed to prove that conclusively. Therefore, this variant has been classified as Likely Pathogenic.

NC_000023.10:g.(?_132887489)_(132888223_?)dup

Gene: GPC3 (glypican 3; minus strand). Cytogenetic location: Xq26.2.
Variant type: Duplication.
Identifiers: ClinVar variation 476637 (VCV000476637.2).